The following is an entry in ClinVar:

NM_144643.4(SCLT1):c.316G>A (p.Val106Ile)

Gene: SCLT1 (sodium channel and clathrin linker 1; minus strand). Cytogenetic location: 4q28.2.
Variant type: single nucleotide variant.
Coding change: c.316G>A on transcript NM_144643.4 (MANE Select); coding-DNA position 316, G replaced by A.
Protein change: p.Val106Ile; replaces valine 106 with isoleucine.
Molecular consequence: missense variant.
Genome position (GRCh38, 1-based): chr4:129,003,851, C>T on the plus strand (G>A on the coding strand, the complement: SCLT1 is on the minus strand). VCF-style: chr4-129003851-C-T. GRCh37 (hg19) VCF-style: chr4-129925006-C-T.
Other names: c.316G>A, p.Val106Ile (NM_001410807.1); short protein forms V106I.
Identifiers: ClinVar variation 2695974 (VCV002695974.3), dbSNP rs1268591658, ClinGen allele CA358183371.
Genomic context (GRCh38, chr4:129,003,851, plus strand): 5'-CTGCATATATGTCAGTTCCTACCTCTGTGCCCAGGGGAAAGGCCTCCAATTTTTTTTCAA[C>T]AGCATCTTTTAATTCACTGTGCAACCTTTGAAACAAATAGTTAACATGATAGCCTCAAGT-3'
Protein context (NP_653244.2, residues 96-116): ERLHSELKDA[Val106Ile]EKKLEAFPLG

ClinVar aggregate classification (germline): Uncertain significance (1 of 4 stars; one submission).

Allele frequency attached by ClinVar (database versions not stated): gnomAD exomes below 0.00001.
gnomAD v4.1: 1 of 1,611,886 alleles (0.000062%); highest among the groups gnomAD compares: Non-Finnish European, 0.000085%; no homozygotes.

Submission:

Labcorp Genetics (formerly Invitae), Labcorp
Classification: Uncertain significance. Last evaluated: 2023-12-02. Review status: criteria provided, single submitter. Criteria: Invitae Variant Classification Sherloc (09022015). Collection method: clinical testing. Allele origin: germline.
Comment: This sequence change replaces valine, which is neutral and non-polar, with isoleucine, which is neutral and non-polar, at codon 106 of the SCLT1 protein (p.Val106Ile). This variant is not present in population databases (gnomAD no frequency). This variant has not been reported in the literature in individuals affected with SCLT1-related conditions. Algorithms developed to predict the effect of missense changes on protein structure and function output the following: SIFT: "Not Available"; PolyPhen-2: "Benign"; Align-GVGD: "Not Available". The isoleucine amino acid residue is found in multiple mammalian species, which suggests that this missense change does not adversely affect protein function. In summary, the available evidence is currently insufficient to determine the role of this variant in disease. Therefore, it has been classified as a Variant of Uncertain Significance.